The following is an entry in ClinVar:

NM_001267550.2(TTN):c.104734G>A (p.Glu34912Lys)

Genes: TTN-AS1 (TTN antisense RNA 1; plus strand), TTN (titin; minus strand). Cytogenetic location: 2q31.2.
Variant type: single nucleotide variant.
Coding change: c.104734G>A on transcript NM_001267550.2 (MANE Select); coding-DNA position 104734, G replaced by A.
Protein change: p.Glu34912Lys; replaces glutamic acid 34912 with lysine.
Molecular consequence: missense variant.
Genome position (GRCh38, 1-based): chr2:178,531,881, C>T on the plus strand (G>A on the coding strand, the complement: TTN is on the minus strand). VCF-style: chr2-178531881-C-T. GRCh37 (hg19) VCF-style: chr2-179396608-C-T.
Other names: c.99811G>A, p.Glu33271Lys (NM_001256850.1); c.77539G>A, p.Glu25847Lys (NM_003319.4); c.97030G>A, p.Glu32344Lys (NM_133378.4); c.77914G>A, p.Glu25972Lys (NM_133432.3); c.78115G>A, p.Glu26039Lys (NM_133437.4); short protein forms E34912K, E26039K, E32344K, E33271K, E25847K, E25972K.
Identifiers: ClinVar variation 1042173 (VCV001042173.8), dbSNP rs375542215, ClinGen allele CA1985368.

ClinVar aggregate classification (germline): Uncertain significance. Review status: criteria provided, multiple submitters, no conflicts (2 of 4 stars). 2 submissions from 2 submitters: Uncertain significance (2). Last evaluated 2025-12-02.

Conditions:
Dilated cardiomyopathy 1G (CMD1G). Identifiers: Orphanet 154, MedGen C1858763, MONDO:0011400, OMIM 604145.
Autosomal recessive limb-girdle muscular dystrophy type 2J (LGMDR10). Also called: Limb-girdle muscular dystrophy, type 2J; MUSCULAR DYSTROPHY, LIMB-GIRDLE, AUTOSOMAL RECESSIVE 10. Identifiers: Orphanet 140922, MedGen C1837342, MONDO:0012127, OMIM 608807.

Allele frequency attached by ClinVar (database versions not stated): gnomAD exomes below 0.00001 and 0.00001; ExAC 0.00001; TOPMed 0.00001; gnomAD 0.00003; ESP Exome Variant Server 0.00008.
gnomAD v4.1: 12 of 1,612,806 alleles (0.00074%); highest among the groups gnomAD compares: Non-Finnish European, 0.001%; no homozygotes.

Submissions (2):

Women's Health and Genetics/Laboratory Corporation of America, LabCorp
Classification: Uncertain significance. Last evaluated: 2025-12-02. Review status: criteria provided, single submitter. Criteria: LabCorp Variant Classification Summary - May 2015. Collection method: clinical testing. Allele origin: germline.
Comment: Variant summary: TTN c.97030G>A (p.Glu32344Lys) results in a conservative amino acid change located in the M-band region of the encoded protein sequence. Algorithms developed to predict the effect of missense changes on protein structure and function are either unavailable or do not agree on the potential impact of this missense change. The variant allele was found at a frequency of 4.1e-06 in 245970 control chromosomes. The available data on variant occurrences in the general population are insufficient to allow any conclusion about variant significance. To our knowledge, no occurrence of c.97030G>A in individuals affected with TTN-related conditions and no experimental evidence demonstrating its impact on protein function have been reported. ClinVar contains an entry for this variant (Variation ID: 1042173). Based on the evidence outlined above, the variant was classified as uncertain significance.

Labcorp Genetics (formerly Invitae), Labcorp
Classification: Uncertain significance for Dilated cardiomyopathy 1G; Autosomal recessive limb-girdle muscular dystrophy type 2J. Last evaluated: 2025-11-30. Review status: criteria provided, single submitter. Criteria: Invitae Variant Classification Sherloc (09022015). Collection method: clinical testing. Allele origin: germline.
Comment: This sequence change replaces glutamic acid, which is acidic and polar, with lysine, which is basic and polar, at codon 34912 of the TTN protein (p.Glu34912Lys). This variant is present in population databases (rs375542215, gnomAD 0.0009%). This variant has not been reported in the literature in individuals affected with TTN-related conditions. ClinVar contains an entry for this variant (Variation ID: 1042173). Experimental studies and prediction algorithms are not available or were not evaluated, and the functional significance of this variant is currently unknown. This variant is located in the M band of TTN (PMID: 25589632). Non-truncating variants in this region may be relevant for neuromuscular disorders, but have not been definitively shown to cause cardiomyopathy (PMID: 23975875). In summary, the available evidence is currently insufficient to determine the role of this variant in disease. Therefore, it has been classified as a Variant of Uncertain Significance.

Literature cited by the submitters: PubMed 25589632 (cited by Labcorp Genetics (formerly Invitae), Labcorp); PubMed 23975875 (cited by Labcorp Genetics (formerly Invitae), Labcorp).